The following is an entry in ClinVar:

NM_000642.3(AGL):c.4570A>G (p.Thr1524Ala)

Gene: AGL (amylo-alpha-1,6-glucosidase and 4-alpha-glucanotransferase; plus strand). Cytogenetic location: 1p21.2.
Variant type: single nucleotide variant.
Coding change: c.4570A>G on transcript NM_000642.3 (MANE Select); coding-DNA position 4570, A replaced by G.
Protein change: p.Thr1524Ala; replaces threonine 1524 with alanine.
Molecular consequence: missense variant.
Genome position (GRCh38, 1-based): chr1:99,921,622, A>G. VCF-style: chr1-99921622-A-G. GRCh37 (hg19) VCF-style: chr1-100387178-A-G.
Other names: c.4570A>G, p.Thr1524Ala (NM_000028.3, NM_000643.3, NM_000644.3 and 1 more transcripts); c.4522A>G, p.Thr1508Ala (NM_000646.3); c.4549A>G, p.Thr1517Ala (NM_001425326.1); c.4369A>G, p.Thr1457Ala (NM_001425327.1); c.4366A>G, p.Thr1456Ala (NM_001425328.1); c.4231A>G, p.Thr1411Ala (NM_001425329.1); c.4192A>G, p.Thr1398Ala (NM_001425332.1); short protein forms T1508A, T1524A, T1398A, T1411A, T1456A, T1457A, T1517A.
Identifiers: ClinVar variation 1051372 (VCV001051372.6), dbSNP rs995580660, ClinGen allele CA27564525.
Genomic context (GRCh38, chr1:99,921,622, plus strand): 5'-ACCAATGAGAATGCCCAGTACTGTCCTTTCAGCTGTGAAACACAAGCCTGGTCAATTGCT[A>G]CTATTCTTGAGACACTTTATGATTTATAGTTTATTACAGATATTAAGTATGCAATTACTT-3'
Protein context (NP_000633.2, residues 1514-1532): SCETQAWSIA[Thr1524Ala]ILETLYDL

ClinVar aggregate classification (germline): Uncertain significance. Review status: criteria provided, single submitter (1 of 4 stars). 2 submissions from 2 submitters: Uncertain significance (1). 1 of the submissions does not count toward it. Last evaluated 2021-08-27.

Conditions:
Glycogen storage disease type III (GSD3). Also called: FORBES DISEASE; Cori disease. Identifiers: Orphanet 366, MedGen C0017922, MONDO:0009291, OMIM 232400.

Allele frequency attached by ClinVar (database versions not stated): gnomAD exomes below 0.00001.
gnomAD v4.1: 2 of 1,611,412 alleles (0.00012%); highest among the groups gnomAD compares: African/African-American, 0.0013%; no homozygotes.

Submissions (2):

Labcorp Genetics (formerly Invitae), Labcorp
Classification: Uncertain significance for Glycogen storage disease type III. Last evaluated: 2021-08-27. Review status: criteria provided, single submitter. Criteria: Invitae Variant Classification Sherloc (09022015). Collection method: clinical testing. Allele origin: germline.
Comment: This sequence change replaces threonine with alanine at codon 1524 of the AGL protein (p.Thr1524Ala). The threonine residue is weakly conserved and there is a small physicochemical difference between threonine and alanine. This variant is not present in population databases (ExAC no frequency). This variant has not been reported in the literature in individuals affected with AGL-related conditions. Algorithms developed to predict the effect of missense changes on protein structure and function output the following: SIFT: "Tolerated"; PolyPhen-2: "Benign"; Align-GVGD: "Class C0". The alanine amino acid residue is found in multiple mammalian species, which suggests that this missense change does not adversely affect protein function. In summary, the available evidence is currently insufficient to determine the role of this variant in disease. Therefore, it has been classified as a Variant of Uncertain Significance.

Natera, Inc.
Classification: Uncertain significance for Glycogen storage disease type III. Last evaluated: 2020-01-17. Review status: no assertion criteria provided. Collection method: clinical testing. Allele origin: germline. Not counted in ClinVar's aggregate classification.